The following is an entry in ClinVar:

NM_005032.7(PLS3):c.623G>C (p.Gly208Ala)

Gene: PLS3 (plastin 3; plus strand). Cytogenetic location: Xq23.
Variant type: single nucleotide variant.
Coding change: c.623G>C on transcript NM_005032.7 (MANE Select); coding-DNA position 623, G replaced by C.
Protein change: p.Gly208Ala; replaces glycine 208 with alanine.
Molecular consequence: missense variant.
Genome position (GRCh38, 1-based): chrX:115,634,921, G>C. VCF-style: chrX-115634921-G-C. GRCh37 (hg19) VCF-style: chrX-114869233-G-C.
Other names: c.623G>C, p.Gly208Ala (NM_001136025.5, NM_001440791.1, NM_001440792.1); c.542G>C, p.Gly181Ala (NM_001172335.3); c.557G>C, p.Gly186Ala (NM_001282337.2); c.488G>C, p.Gly163Ala (NM_001282338.2); short protein forms G163A, G181A, G186A, G208A.
Identifiers: ClinVar variation 5017373 (VCV005017373.1).

ClinVar aggregate classification (germline): Uncertain significance (1 of 4 stars; one submission).

Submission:

GeneDx
Classification: Uncertain significance. Last evaluated: 2026-03-24. Review status: criteria provided, single submitter. Criteria: GeneDx Variant Classification Process June 2021. Collection method: clinical testing. Allele origin: germline.
Comment: Not observed at significant frequency in large population cohorts (gnomAD); In silico analysis supports that this missense variant has a deleterious effect on protein structure/function; Has not been previously published as pathogenic or benign to our knowledge